The following is an entry in ClinVar:

ClinVar aggregate classification (germline): Uncertain significance (1 of 4 stars; one submission).

Conditions:
Charcot-Marie-Tooth disease axonal type 2O. Also called: CHARCOT-MARIE-TOOTH NEUROPATHY, AXONAL, TYPE 2O; CHARCOT-MARIE-TOOTH DISEASE, AXONAL, AUTOSOMAL DOMINANT, TYPE 2O; Charcot-Marie-Tooth Neuropathy Type 2O; Charcot-Marie-Tooth disease, axonal, type 20. Identifiers: Orphanet 284232, MedGen C3280220, MONDO:0013644, OMIM 614228.

Submission:

Labcorp Genetics (formerly Invitae), Labcorp
Classification: Uncertain significance for Charcot-Marie-Tooth disease axonal type 2O. Last evaluated: 2022-08-23. Review status: criteria provided, single submitter. Criteria: Invitae Variant Classification Sherloc (09022015). Collection method: clinical testing. Allele origin: germline.
Comment: This sequence change replaces tryptophan, which is neutral and slightly polar, with cysteine, which is neutral and slightly polar, at codon 922 of the DYNC1H1 protein (p.Trp922Cys). This variant is not present in population databases (gnomAD no frequency). This variant has not been reported in the literature in individuals affected with DYNC1H1-related conditions. ClinVar contains an entry for this variant (Variation ID: 1052888). Advanced modeling of protein sequence and biophysical properties (such as structural, functional, and spatial information, amino acid conservation, physicochemical variation, residue mobility, and thermodynamic stability) performed at Invitae indicates that this missense variant is not expected to disrupt DYNC1H1 protein function. In summary, the available evidence is currently insufficient to determine the role of this variant in disease. Therefore, it has been classified as a Variant of Uncertain Significance.

NM_001376.5(DYNC1H1):c.2766G>C (p.Trp922Cys)

Gene: DYNC1H1 (dynein cytoplasmic 1 heavy chain 1; plus strand). Cytogenetic location: 14q32.31.
Variant type: single nucleotide variant.
Coding change: c.2766G>C on transcript NM_001376.5 (MANE Select); coding-DNA position 2766, G replaced by C.
Protein change: p.Trp922Cys; replaces tryptophan 922 with cysteine.
Molecular consequence: missense variant.
Genome position (GRCh38, 1-based): chr14:101,988,750, G>C. VCF-style: chr14-101988750-G-C. GRCh37 (hg19) VCF-style: chr14-102455087-G-C.
Other names: short protein forms W922C.
Identifiers: ClinVar variation 1052888 (VCV001052888.9), dbSNP rs2141276645, ClinGen allele CA391028504.